The following is an entry in ClinVar:

ClinVar aggregate classification (germline): Conflicting classifications of pathogenicity. Review status: criteria provided, conflicting classifications (1 of 4 stars). 5 submissions from 5 submitters: Uncertain significance (3); Likely benign (1). 1 of the submissions does not count toward it. Last evaluated 2026-02-25.

Conditions:
OTOGL-related disorder. Also called: OTOGL-related condition.
Inborn genetic diseases. Identifiers: MedGen C0950123, MeSH D030342.

Allele frequency attached by ClinVar (database versions not stated): ESP Exome Variant Server 0.00008; gnomAD 0.00013; ExAC 0.00023.
gnomAD v4.1: 197 of 1,592,822 alleles (0.012%); highest among the groups gnomAD compares: Admixed American, 0.033%; 1 homozygote.

Submissions (5):

GeneDx
Classification: Uncertain significance. Last evaluated: 2026-02-25. Review status: criteria provided, single submitter. Criteria: GeneDx Variant Classification Process June 2021. Collection method: clinical testing. Allele origin: germline.
Comment: In silico analysis supports that this missense variant has a deleterious effect on protein structure/function; Has not been previously published as pathogenic or benign to our knowledge

Labcorp Genetics (formerly Invitae), Labcorp
Classification: Likely benign. Last evaluated: 2025-05-01. Review status: criteria provided, single submitter. Criteria: Invitae Variant Classification Sherloc (09022015). Collection method: clinical testing. Allele origin: germline.

Blueprint Genetics
Classification: Uncertain significance. Last evaluated: 2024-11-26. Review status: criteria provided, single submitter. Criteria: ACMG Guidelines, 2015. Collection method: clinical testing. Allele origin: germline.

Ambry Genetics
Classification: Uncertain significance for Inborn genetic diseases. Last evaluated: 2022-01-19. Review status: criteria provided, single submitter. Criteria: Ambry Variant Classification Scheme 2023. Collection method: clinical testing. Allele origin: germline.

PreventionGenetics, part of Exact Sciences
Classification: Likely benign for OTOGL-related condition. Last evaluated: 2021-04-26. Review status: no assertion criteria provided. Collection method: clinical testing. Allele origin: germline. Not counted in ClinVar's aggregate classification.
Comment: This variant is classified as likely benign based on ACMG/AMP sequence variant interpretation guidelines (Richards et al. 2015 PMID: 25741868, with internal and published modifications).

NM_001378609.3(OTOGL):c.293A>G (p.Asp98Gly)

Gene: OTOGL (otogelin like; plus strand). Cytogenetic location: 12q21.31.
Variant type: single nucleotide variant.
Coding change: c.293A>G on transcript NM_001378609.3 (MANE Select); coding-DNA position 293, A replaced by G.
Protein change: p.Asp98Gly; replaces aspartic acid 98 with glycine.
Molecular consequence: missense variant.
Genome position (GRCh38, 1-based): chr12:80,219,871, A>G. VCF-style: chr12-80219871-A-G. GRCh37 (hg19) VCF-style: chr12-80613651-A-G.
Other names: c.293A>G, p.Asp98Gly (NM_001368062.3, NM_001378610.3, NM_173591.7); short protein forms D98G.
Identifiers: ClinVar variation 2357855 (VCV002357855.10), dbSNP rs374112948, ClinGen allele CA6700126.
Genomic context (GRCh38, chr12:80,219,871, plus strand): 5'-CAGGTTCTTGTCCTTATGAATGCCTTAATGGAGCTTTCTGTTCTAAGACTGGAACATGTG[A>G]CTGTCAAATATTTCAGGCTCTTGGGACAAGATGCCAGATCAGTAAGTTTCAGGGATGCTT-3'
Protein context (NP_001365538.2, residues 88-108): GAFCSKTGTC[Asp98Gly]CQIFQALGTR